The following is an entry in ClinVar:

NM_201384.3(PLEC):c.12967G>A (p.Asp4323Asn)

Gene: PLEC (plectin; minus strand). Cytogenetic location: 8q24.3.
Variant type: single nucleotide variant.
Coding change: c.12967G>A on transcript NM_201384.3 (MANE Select); coding-DNA position 12967, G replaced by A.
Protein change: p.Asp4323Asn; replaces aspartic acid 4323 with asparagine.
Molecular consequence: missense variant.
Genome position (GRCh38, 1-based): chr8:143,916,854, C>T on the plus strand (G>A on the coding strand, the complement: PLEC is on the minus strand). VCF-style: chr8-143916854-C-T. GRCh37 (hg19) VCF-style: chr8-144991022-C-T.
Other names: c.13048G>A, p.Asp4350Asn (NM_000445.5); c.9667G>A, p.Asp3223Asn (NM_001410941.1); c.12925G>A, p.Asp4309Asn (NM_201378.4); c.12901G>A, p.Asp4301Asn (NM_201379.3); c.13378G>A, p.Asp4460Asn (NM_201380.4); c.12871G>A, p.Asp4291Asn (NM_201381.3); c.12967G>A, p.Asp4323Asn (NM_201382.4); c.12979G>A, p.Asp4327Asn (NM_201383.3); short protein forms D3223N, D4291N, D4309N, D4323N, D4301N, D4327N, D4350N, D4460N.
Identifiers: ClinVar variation 2465311 (VCV002465311.3), dbSNP rs782787833, ClinGen allele CA4923937.

ClinVar aggregate classification (germline): Uncertain significance. Review status: criteria provided, multiple submitters, no conflicts (2 of 4 stars). 2 submissions from 2 submitters: Uncertain significance (2). Last evaluated 2025-10-13.

Conditions:
Inborn genetic diseases. Identifiers: MedGen C0950123, MeSH D030342.

Allele frequency attached by ClinVar (database versions not stated): gnomAD 0.00001; TOPMed 0.00001; ExAC 0.00002.
gnomAD v4.1: 52 of 1,611,862 alleles (0.0032%); highest among the groups gnomAD compares: Non-Finnish European, 0.004%; no homozygotes.

Submissions (2):

Women's Health and Genetics/Laboratory Corporation of America, LabCorp
Classification: Uncertain significance. Last evaluated: 2025-10-13. Review status: criteria provided, single submitter. Criteria: LabCorp Variant Classification Summary - May 2015. Collection method: clinical testing. Allele origin: germline.
Comment: Variant summary: PLEC c.13048G>A (p.Asp4350Asn) results in a conservative amino acid change in the encoded protein sequence. Algorithms developed to predict the effect of missense changes on protein structure and function are either unavailable or do not agree on the potential impact of this missense change. The variant allele was found at a frequency of 1.6e-05 in 247898 control chromosomes. The available data on variant occurrences in the general population are insufficient to allow any conclusion about variant significance. To our knowledge, no occurrence of c.13048G>A in individuals affected with PLEC-related conditions and no experimental evidence demonstrating its impact on protein function have been reported. ClinVar contains an entry for this variant (Variation ID: 2465311). Based on the evidence outlined above, the variant was classified as uncertain significance.

Ambry Genetics
Classification: Uncertain significance for Inborn genetic diseases. Last evaluated: 2023-01-26. Review status: criteria provided, single submitter. Criteria: Ambry Variant Classification Scheme 2023. Collection method: clinical testing. Allele origin: germline.